The following is an entry in ClinVar:

ClinVar aggregate classification (germline): Conflicting classifications of pathogenicity. Review status: criteria provided, conflicting classifications (1 of 4 stars). 4 submissions from 4 submitters: Uncertain significance (3); Likely benign (1). Last evaluated 2026-08-31.

Conditions:
MYO7A-related disorder. Also called: MYO7A-related disorders.
Inborn genetic diseases. Identifiers: MedGen C0950123, MeSH D030342.

Allele frequency attached by ClinVar (database versions not stated): gnomAD 0.00003; TOPMed 0.00005; ExAC 0.00012.

Submissions (4):

PreventionGenetics, part of Exact Sciences
Classification: Uncertain significance for MYO7A-related condition. Last evaluated: 2026-08-31. Review status: criteria provided, single submitter. Criteria: ACMG Guidelines, 2015. Collection method: clinical testing. Allele origin: germline.
Comment: The MYO7A c.2732G>A variant is predicted to result in the amino acid substitution p.Arg911Gln. To our knowledge, this variant has not been reported in the literature. This variant is reported in 0.034% of alleles in individuals of African descent in gnomAD. At this time, the clinical significance of this variant is uncertain due to the absence of conclusive functional and genetic evidence.

Labcorp Genetics (formerly Invitae), Labcorp
Classification: Likely benign. Last evaluated: 2025-12-30. Review status: criteria provided, single submitter. Criteria: Invitae Variant Classification Sherloc (09022015). Collection method: clinical testing. Allele origin: germline.

Blueprint Genetics
Classification: Uncertain significance. Last evaluated: 2022-09-19. Review status: criteria provided, single submitter. Criteria: ACMG Guidelines, 2015. Collection method: clinical testing. Allele origin: germline.

Ambry Genetics
Classification: Uncertain significance for Inborn genetic diseases. Last evaluated: 2021-12-03. Review status: criteria provided, single submitter. Criteria: Ambry Variant Classification Scheme 2023. Collection method: clinical testing. Allele origin: germline.

NM_000260.4(MYO7A):c.2732G>A (p.Arg911Gln)

Gene: MYO7A (myosin VIIA; plus strand). Cytogenetic location: 11q13.5.
Variant type: single nucleotide variant.
Coding change: c.2732G>A on transcript NM_000260.4 (MANE Select); coding-DNA position 2732, G replaced by A.
Protein change: p.Arg911Gln; replaces arginine 911 with glutamine.
Molecular consequence: missense variant.
Genome position (GRCh38, 1-based): chr11:77,181,417, G>A. VCF-style: chr11-77181417-G-A. GRCh37 (hg19) VCF-style: chr11-76892463-G-A.
Other names: c.2732G>A (NM_000260.3); c.2732G>A, p.Arg911Gln (NM_001127180.2); c.2699G>A, p.Arg900Gln (NM_001369365.1); short protein forms R911Q, R900Q.
Identifiers: ClinVar variation 2153738 (VCV002153738.7), dbSNP rs781926323, ClinGen allele CA6197920.